The following is an entry in ClinVar:

NM_003476.5(CSRP3):c.28T>C (p.Cys10Arg)

Gene: CSRP3 (cysteine and glycine rich protein 3; minus strand). Cytogenetic location: 11p15.1.
Variant type: single nucleotide variant.
Coding change: c.28T>C on transcript NM_003476.5 (MANE Select); coding-DNA position 28, T replaced by C.
Protein change: p.Cys10Arg; replaces cysteine 10 with arginine.
Molecular consequence: missense variant.
Genome position (GRCh38, 1-based): chr11:19,192,421, A>G on the plus strand (T>C on the coding strand, the complement: CSRP3 is on the minus strand). VCF-style: chr11-19192421-A-G. GRCh37 (hg19) VCF-style: chr11-19213968-A-G.
Other names: c.28T>C (NM_003476.3); c.28T>C, p.Cys10Arg (NM_001369404.1); short protein forms C10R.
Identifiers: ClinVar variation 1494794 (VCV001494794.7), dbSNP rs2133516498, ClinGen allele CA379888654.

ClinVar aggregate classification (germline): Uncertain significance. Review status: criteria provided, multiple submitters, no conflicts (2 of 4 stars). 2 submissions from 2 submitters: Uncertain significance (2). Last evaluated 2022-09-15.

Conditions:
Hypertrophic cardiomyopathy 12. Identifiers: MedGen C2677491, MONDO:0012804, OMIM 612124.
Dilated cardiomyopathy 1M (CMD1M). Identifiers: Orphanet 154, MedGen C1843808, MONDO:0011840, OMIM 607482.
Cardiovascular phenotype. Identifiers: MedGen CN230736.

Allele frequency attached by ClinVar (database versions not stated): gnomAD exomes below 0.00001.
gnomAD v4.1: 2 of 1,614,144 alleles (0.00012%); highest among the groups gnomAD compares: Non-Finnish European, 0.00017%; no homozygotes.

Submissions (2):

Ambry Genetics
Classification: Uncertain significance for Cardiovascular phenotype. Last evaluated: 2022-09-15. Review status: criteria provided, single submitter. Criteria: Ambry Variant Classification Scheme 2023. Collection method: clinical testing. Allele origin: germline.
Comment: The c.28T>C (p.C10R) alteration is located in exon 2 (coding exon 1) of the CSRP3 gene. This alteration results from a T to C substitution at nucleotide position 28, causing the cysteine (C) at amino acid position 10 to be replaced by an arginine (R). This variant was not reported in population-based cohorts in the Genome Aggregation Database (gnomAD). This amino acid position is highly conserved in available vertebrate species. This alteration is predicted to be deleterious by in silico analysis. Based on insufficient or conflicting evidence, the clinical significance of this alteration remains unclear.

Labcorp Genetics (formerly Invitae), Labcorp
Classification: Uncertain significance for Hypertrophic cardiomyopathy 12; Dilated cardiomyopathy 1M. Last evaluated: 2021-08-01. Review status: criteria provided, single submitter. Criteria: Invitae Variant Classification Sherloc (09022015). Collection method: clinical testing. Allele origin: germline.
Comment: In summary, the available evidence is currently insufficient to determine the role of this variant in disease. Therefore, it has been classified as a Variant of Uncertain Significance. Algorithms developed to predict the effect of missense changes on protein structure and function (SIFT, PolyPhen-2, Align-GVGD) all suggest that this variant is likely to be disruptive. This variant has not been reported in the literature in individuals affected with CSRP3-related conditions. This variant is not present in population databases (ExAC no frequency). This sequence change replaces cysteine with arginine at codon 10 of the CSRP3 protein (p.Cys10Arg). The cysteine residue is highly conserved and there is a large physicochemical difference between cysteine and arginine.